The following is an entry in ClinVar:

ClinVar aggregate classification (germline): Uncertain significance (1 of 4 stars; one submission).

Allele frequency attached by ClinVar (database versions not stated): ExAC 0.00001; gnomAD 0.00002; ESP Exome Variant Server 0.00008.
gnomAD v4.1: 16 of 1,613,272 alleles (0.00099%); highest among the groups gnomAD compares: East Asian, 0.0022%; no homozygotes.

Submission:

Labcorp Genetics (formerly Invitae), Labcorp
Classification: Uncertain significance. Last evaluated: 2022-11-10. Review status: criteria provided, single submitter. Criteria: Invitae Variant Classification Sherloc (09022015). Collection method: clinical testing. Allele origin: germline.
Comment: This variant is present in population databases (rs375253247, gnomAD 0.002%). This variant has not been reported in the literature in individuals affected with FREM1-related conditions. Algorithms developed to predict the effect of missense changes on protein structure and function output the following: SIFT: "Tolerated"; PolyPhen-2: "Benign"; Align-GVGD: "Class C0". The histidine amino acid residue is found in multiple mammalian species, which suggests that this missense change does not adversely affect protein function. In summary, the available evidence is currently insufficient to determine the role of this variant in disease. Therefore, it has been classified as a Variant of Uncertain Significance. This sequence change replaces arginine, which is basic and polar, with histidine, which is basic and polar, at codon 2144 of the FREM1 protein (p.Arg2144His).

NM_001379081.2(FREM1):c.6431G>A (p.Arg2144His)

Gene: FREM1 (FRAS1 related extracellular matrix 1; minus strand). Cytogenetic location: 9p22.3.
Variant type: single nucleotide variant.
Coding change: c.6431G>A on transcript NM_001379081.2 (MANE Select); coding-DNA position 6431, G replaced by A.
Protein change: p.Arg2144His; replaces arginine 2144 with histidine.
Molecular consequence: missense variant. On other transcripts: 3 prime UTR variant (1), non-coding transcript variant (3).
Genome position (GRCh38, 1-based): chr9:14,737,505, C>T on the plus strand (G>A on the coding strand, the complement: FREM1 is on the minus strand). VCF-style: chr9-14737505-C-T. GRCh37 (hg19) VCF-style: chr9-14737503-C-T.
Other names: c.2039G>A, p.Arg680His (NM_001177704.3, NM_001370061.2); c.*42G>A (NM_001370058.2); c.6431G>A, p.Arg2144His (NM_144966.7); short protein forms R2144H, R680H.
Identifiers: ClinVar variation 1937588 (VCV001937588.5), dbSNP rs375253247, ClinGen allele CA4989388.